The following is an entry in ClinVar:

NM_001429.4(EP300):c.1861G>A (p.Glu621Lys)

Gene: EP300 (EP300 lysine acetyltransferase; plus strand). Cytogenetic location: 22q13.2.
Variant type: single nucleotide variant.
Coding change: c.1861G>A on transcript NM_001429.4 (MANE Select); coding-DNA position 1861, G replaced by A.
Protein change: p.Glu621Lys; replaces glutamic acid 621 with lysine.
Molecular consequence: missense variant.
Genome position (GRCh38, 1-based): chr22:41,140,240, G>A. VCF-style: chr22-41140240-G-A. GRCh37 (hg19) VCF-style: chr22-41536244-G-A.
Other names: c.1861G>A, p.Glu621Lys (NM_001362843.2); short protein forms E621K.
Identifiers: ClinVar variation 1321274 (VCV001321274.1), dbSNP rs778829658, ClinGen allele CA411687788.

ClinVar aggregate classification (germline): Uncertain significance (1 of 4 stars; one submission).

Conditions:
Rubinstein-Taybi syndrome due to EP300 haploinsufficiency. Also called: RUBINSTEIN-TAYBI SYNDROME 2; EP300-Related Rubinstein-Taybi Syndrome. Identifiers: Orphanet 353284, Orphanet 783, MedGen C3150941, MONDO:0013364, OMIM 613684.

Submission:

3billion
Classification: Uncertain significance for Rubinstein-Taybi syndrome due to EP300 haploinsufficiency. Last evaluated: 2021-10-25. Review status: criteria provided, single submitter. Criteria: ACMG Guidelines, 2015. Collection method: clinical testing. Allele origin: unknown. Affected: yes. Observed: 1 heterozygote.
Comment: This variant is not observed in the gnomAD v2.1.1 dataset (PM2). In silico tool predictions suggest damaging effect of the variant on gene or gene product (REVEL: 0.83, PP3). Therefore, this variant is classified as uncertain significance according to the recommendation of ACMG/AMP guideline.